The following is an entry in ClinVar:

NM_002519.3(NPAT):c.884T>C (p.Ile295Thr)

Gene: NPAT (nuclear protein, coactivator of histone transcription; minus strand). Cytogenetic location: 11q22.3.
Variant type: single nucleotide variant.
Coding change: c.884T>C on transcript NM_002519.3 (MANE Select); coding-DNA position 884, T replaced by C.
Protein change: p.Ile295Thr; replaces isoleucine 295 with threonine.
Molecular consequence: missense variant.
Genome position (GRCh38, 1-based): chr11:108,185,254, A>G on the plus strand (T>C on the coding strand, the complement: NPAT is on the minus strand). VCF-style: chr11-108185254-A-G. GRCh37 (hg19) VCF-style: chr11-108055981-A-G.
Other names: c.884T>C, p.Ile295Thr (NM_001321307.1); short protein forms I295T.
Identifiers: ClinVar variation 1764880 (VCV001764880.5), dbSNP rs368052686, ClinGen allele CA6264156.

ClinVar aggregate classification (germline): Uncertain significance. Review status: criteria provided, multiple submitters, no conflicts (2 of 4 stars). 2 submissions from 2 submitters: Uncertain significance (2). Last evaluated 2025-08-19.

Allele frequency attached by ClinVar (database versions not stated): TOPMed 0.00001; gnomAD 0.00003; ESP Exome Variant Server 0.00008; ExAC 0.00005.
gnomAD v4.1: 41 of 1,611,956 alleles (0.0025%); highest among the groups gnomAD compares: Non-Finnish European, 0.0031%; no homozygotes.

Submissions (2):

Labcorp Genetics (formerly Invitae), Labcorp
Classification: Uncertain significance. Last evaluated: 2025-08-19. Review status: criteria provided, single submitter. Criteria: Invitae Variant Classification Sherloc (09022015). Collection method: clinical testing. Allele origin: germline.
Comment: This sequence change replaces isoleucine, which is neutral and non-polar, with threonine, which is neutral and polar, at codon 295 of the NPAT protein (p.Ile295Thr). This variant is present in population databases (rs368052686, gnomAD 0.005%). This variant has not been reported in the literature in individuals affected with NPAT-related conditions. ClinVar contains an entry for this variant (Variation ID: 1764880). An algorithm developed to predict the effect of missense changes on protein structure and function (PolyPhen-2) suggests that this variant is likely to be disruptive. In summary, the available evidence is currently insufficient to determine the role of this variant in disease. Therefore, it has been classified as a Variant of Uncertain Significance.

Ambry Genetics
Classification: Uncertain significance. Last evaluated: 2025-07-01. Review status: criteria provided, single submitter. Criteria: Ambry Variant Classification Scheme 2023. Collection method: clinical testing. Allele origin: germline.